The following is an entry in ClinVar:

ClinVar aggregate classification (germline): Uncertain significance (1 of 4 stars; one submission).

Conditions:
Dilated cardiomyopathy 1G (CMD1G). Identifiers: Orphanet 154, MedGen C1858763, MONDO:0011400, OMIM 604145.
Autosomal recessive limb-girdle muscular dystrophy type 2J (LGMDR10). Also called: Limb-girdle muscular dystrophy, type 2J; MUSCULAR DYSTROPHY, LIMB-GIRDLE, AUTOSOMAL RECESSIVE 10. Identifiers: Orphanet 140922, MedGen C1837342, MONDO:0012127, OMIM 608807.

Submission:

Labcorp Genetics (formerly Invitae), Labcorp
Classification: Uncertain significance for Dilated cardiomyopathy 1G; Autosomal recessive limb-girdle muscular dystrophy type 2J. Last evaluated: 2024-06-24. Review status: criteria provided, single submitter. Criteria: Invitae Variant Classification Sherloc (09022015). Collection method: clinical testing. Allele origin: germline.
Comment: This sequence change replaces serine, which is neutral and polar, with glycine, which is neutral and non-polar, at codon 34707 of the TTN protein (p.Ser34707Gly). This variant is not present in population databases (gnomAD no frequency). This variant has not been reported in the literature in individuals affected with TTN-related conditions. Experimental studies and prediction algorithms are not available or were not evaluated, and the functional significance of this variant is currently unknown. In summary, the available evidence is currently insufficient to determine the role of this variant in disease. Therefore, it has been classified as a Variant of Uncertain Significance.

NM_001267550.2(TTN):c.104119A>G (p.Ser34707Gly)

Genes: TTN (titin; minus strand), TTN-AS1 (TTN antisense RNA 1; plus strand). Cytogenetic location: 2q31.2.
Variant type: single nucleotide variant.
Coding change: c.104119A>G on transcript NM_001267550.2 (MANE Select); coding-DNA position 104119, A replaced by G.
Protein change: p.Ser34707Gly; replaces serine 34707 with glycine.
Molecular consequence: missense variant.
Genome position (GRCh38, 1-based): chr2:178,532,496, T>C on the plus strand (A>G on the coding strand, the complement: TTN is on the minus strand). VCF-style: chr2-178532496-T-C. GRCh37 (hg19) VCF-style: chr2-179397223-T-C.
Other names: c.99196A>G, p.Ser33066Gly (NM_001256850.1); c.76924A>G, p.Ser25642Gly (NM_003319.4); c.96415A>G, p.Ser32139Gly (NM_133378.4); c.77299A>G, p.Ser25767Gly (NM_133432.3); c.77500A>G, p.Ser25834Gly (NM_133437.4); short protein forms S32139G, S25834G, S25767G, S33066G, S34707G, S25642G.
Identifiers: ClinVar variation 2944981 (VCV002944981.3), dbSNP rs2468454889, ClinGen allele CA349412451.